The following is an entry in ClinVar:

NM_001164508.2(NEB):c.3616A>G (p.Ile1206Val)

Gene: NEB (nebulin; minus strand). Cytogenetic location: 2q23.3.
Variant type: single nucleotide variant.
Coding change: c.3616A>G on transcript NM_001164508.2 (MANE Select); coding-DNA position 3616, A replaced by G.
Protein change: p.Ile1206Val; replaces isoleucine 1206 with valine.
Molecular consequence: missense variant.
Genome position (GRCh38, 1-based): chr2:151,677,723, T>C on the plus strand (A>G on the coding strand, the complement: NEB is on the minus strand). VCF-style: chr2-151677723-T-C. GRCh37 (hg19) VCF-style: chr2-152534237-T-C.
Other names: c.3616A>G, p.Ile1206Val (NM_001164507.2, NM_001271208.2, NM_004543.5); short protein forms I1206V.
Identifiers: ClinVar variation 2414908 (VCV002414908.2), dbSNP rs781750324, ClinGen allele CA1910864.

ClinVar aggregate classification (germline): Uncertain significance (1 of 4 stars; one submission).

Conditions:
Nemaline myopathy 2 (NEM2). Also called: Nemaline myopathy 2, autosomal recessive. Identifiers: MedGen C1850569, MONDO:0009725, OMIM 256030.

Allele frequency attached by ClinVar (database versions not stated): TOPMed 0.00001; ExAC 0.00002.

Submission:

Labcorp Genetics (formerly Invitae), Labcorp
Classification: Uncertain significance for Nemaline myopathy 2. Last evaluated: 2022-08-05. Review status: criteria provided, single submitter. Criteria: Invitae Variant Classification Sherloc (09022015). Collection method: clinical testing. Allele origin: germline.
Comment: This sequence change replaces isoleucine, which is neutral and non-polar, with valine, which is neutral and non-polar, at codon 1206 of the NEB protein (p.Ile1206Val). The frequency data for this variant in the population databases is considered unreliable, as metrics indicate poor data quality at this position in the gnomAD database. This variant has not been reported in the literature in individuals affected with NEB-related conditions. Algorithms developed to predict the effect of missense changes on protein structure and function output the following: SIFT: "Deleterious"; PolyPhen-2: "Not Available"; Align-GVGD: "Class C0". The valine amino acid residue is found in multiple mammalian species, which suggests that this missense change does not adversely affect protein function. In summary, the available evidence is currently insufficient to determine the role of this variant in disease. Therefore, it has been classified as a Variant of Uncertain Significance.